The following is an entry in ClinVar:

ClinVar aggregate classification (germline): Conflicting classifications of pathogenicity. Review status: criteria provided, conflicting classifications (1 of 4 stars). 4 submissions from 4 submitters: Uncertain significance (2); Benign (1); Likely benign (1). Last evaluated 2026-06-23.

Conditions:
Polyps, multiple and recurrent inflammatory fibroid, gastrointestinal. Identifiers: MedGen C5193005, MONDO:0008285, OMIM 175510.
PDGFRA-related disorder. Also called: PDGFRA-related condition.
Hereditary cancer-predisposing syndrome. Also called: Neoplastic Syndromes, Hereditary; Hereditary neoplastic syndrome; Hereditary Cancer Syndrome; Tumor predisposition. Identifiers: Orphanet 140162, MedGen C0027672, MeSH D009386, MONDO:0015356.
Gastrointestinal stromal tumor. Also called: Gastrointestinal stromal tumor, somatic; Gastrointestinal stroma tumor. Identifiers: Orphanet 44890, MedGen C0238198, MeSH D046152, MONDO:0011719, OMIM 606764, HP:0100723.

Allele frequency attached by ClinVar (database versions not stated): ExAC 0.00001.
gnomAD v4.1: 12 of 1,613,476 alleles (0.00074%); highest among the groups gnomAD compares: East Asian, 0.0022%; no homozygotes.

Submissions (4):

PreventionGenetics, part of Exact Sciences
Classification: Uncertain significance for PDGFRA-related condition. Last evaluated: 2026-06-23. Review status: criteria provided, single submitter. Criteria: ACMG Guidelines, 2015. Collection method: clinical testing. Allele origin: germline.
Comment: The PDGFRA c.20C>T variant is predicted to result in the amino acid substitution p.Ala7Val. To our knowledge, this variant has not been reported in the literature. This variant is reported in 0.0026% of alleles in individuals of European (Non-Finnish) descent in gnomAD. This variant has conflicting interpretations in ClinVar ranging from uncertain to likely benign (Variation ID: 240325). At this time, the clinical significance of this variant is uncertain due to the absence of conclusive functional and genetic evidence.

Myriad Genetics, Inc.
Classification: Likely benign for Polyps, multiple and recurrent inflammatory fibroid, gastrointestinal. Last evaluated: 2026-06-12. Review status: criteria provided, single submitter. Criteria: Myriad Autosomal Dominant, Autosomal Recessive and X-Linked Classification Criteria (2023). Collection method: clinical testing. Allele origin: unknown.
Comment: This variant is considered likely benign. This variant has been observed at a population frequency that is significantly greater than expected given the associated disease prevalence and penetrance.

Labcorp Genetics (formerly Invitae), Labcorp
Classification: Uncertain significance for Gastrointestinal stromal tumor. Last evaluated: 2026-01-31. Review status: criteria provided, single submitter. Criteria: Invitae Variant Classification Sherloc (09022015). Collection method: clinical testing. Allele origin: germline.
Comment: This sequence change replaces alanine, which is neutral and non-polar, with valine, which is neutral and non-polar, at codon 7 of the PDGFRA protein (p.Ala7Val). This variant is present in population databases (rs764472307, gnomAD 0.002%). This variant has not been reported in the literature in individuals affected with PDGFRA-related conditions. ClinVar contains an entry for this variant (Variation ID: 240325). An algorithm developed to predict the effect of missense changes on protein structure and function outputs the following: PolyPhen-2: "Benign". The valine amino acid residue is found in multiple mammalian species, which suggests that this missense change does not adversely affect protein function. In summary, the available evidence is currently insufficient to determine the role of this variant in disease. Therefore, it has been classified as a Variant of Uncertain Significance.

Ambry Genetics
Classification: Benign for Hereditary cancer-predisposing syndrome. Last evaluated: 2024-10-02. Review status: criteria provided, single submitter. Criteria: Ambry Variant Classification Scheme 2023. Collection method: clinical testing. Allele origin: germline.

NM_006206.6(PDGFRA):c.20C>T (p.Ala7Val)

Gene: PDGFRA (platelet derived growth factor receptor alpha; plus strand). Cytogenetic location: 4q12.
Variant type: single nucleotide variant.
Coding change: c.20C>T on transcript NM_006206.6 (MANE Select); coding-DNA position 20, C replaced by T.
Protein change: p.Ala7Val; replaces alanine 7 with valine.
Molecular consequence: missense variant.
Genome position (GRCh38, 1-based): chr4:54,258,788, C>T. VCF-style: chr4-54258788-C-T. GRCh37 (hg19) VCF-style: chr4-55124955-C-T.
Other names: c.20C>T, p.Ala7Val (NM_001347827.2, NM_001347829.2); c.95C>T, p.Ala32Val (NM_001347828.2); c.59C>T, p.Ala20Val (NM_001347830.2); c.20C>T (NM_006206.5); short protein forms A7V, A32V, A20V.
Identifiers: ClinVar variation 240325 (VCV000240325.16), dbSNP rs764472307, ClinGen allele CA2922200.